The following is an entry in ClinVar:

ClinVar aggregate classification (germline): Benign/Likely benign. Review status: criteria provided, multiple submitters, no conflicts (2 of 4 stars). 9 submissions from 9 submitters: Benign (1); Likely benign (6). 2 of the submissions do not count toward it. Last evaluated 2026-01-28.

Conditions:
Melanoma, cutaneous malignant, susceptibility to, 5. Also called: Cutaneous malignant melanoma 5. Identifiers: Orphanet 618, MedGen C2751295, MONDO:0013133, OMIM 613099.

Allele frequency attached by ClinVar (database versions not stated): ExAC 0.00184; gnomAD 0.00221 and 0.00223; 1000 Genomes Project 30x 0.00078; 1000 Genomes Project 0.00100; ESP Exome Variant Server 0.00149; TOPMed 0.00168; gnomAD exomes 0.00170 and 0.00236.

Submissions (9):

Labcorp Genetics (formerly Invitae), Labcorp
Classification: Benign for Melanoma, cutaneous malignant, susceptibility to, 5. Last evaluated: 2026-01-28. Review status: criteria provided, single submitter. Criteria: Invitae Variant Classification Sherloc (09022015). Collection method: clinical testing. Allele origin: germline.

Mayo Clinic Laboratories, Mayo Clinic
Classification: Likely benign. Last evaluated: 2025-07-10. Review status: criteria provided, single submitter. Criteria: ACMG Guidelines, 2015. Collection method: clinical testing. Allele origin: germline. Observed: 1 variant allele.
Comment: BP4, BP7

ARUP Laboratories, Molecular Genetics and Genomics, ARUP Laboratories
Classification: Likely benign. Last evaluated: 2025-03-13. Review status: criteria provided, single submitter. Criteria: ARUP Molecular Germline Variant Investigation Process 2024. Collection method: clinical testing. Allele origin: germline.

CeGaT Center for Human Genetics Tuebingen
Classification: Likely benign. Last evaluated: 2024-12-01. Review status: criteria provided, single submitter. Criteria: CeGaT Center For Human Genetics Tuebingen Variant Classification Criteria Version 2. Collection method: clinical testing. Allele origin: germline. Affected: yes. Observed: 5 variant alleles.
Comment: MC1R: BP4, BP7

Blueprint Genetics
Classification: Likely benign. Last evaluated: 2024-11-06. Review status: criteria provided, single submitter. Criteria: ACMG Guidelines, 2015. Collection method: clinical testing. Allele origin: germline.

Ambry Genetics
Classification: Likely benign. Last evaluated: 2024-10-02. Review status: criteria provided, single submitter. Criteria: Ambry Variant Classification Scheme 2023. Collection method: clinical testing. Allele origin: germline.

Illumina Laboratory Services, Illumina
Classification: Likely benign for Melanoma, cutaneous malignant, susceptibility to, 5. Last evaluated: 2017-04-27. Review status: criteria provided, single submitter. Criteria: ICSL Variant Classification Criteria 13 December 2019. Collection method: clinical testing. Allele origin: germline.
Comment: This variant was observed as part of a predisposition screen in an ostensibly healthy population. A literature search was performed for the gene, cDNA change, and amino acid change (where applicable). No publications were found based on this search. Allele frequency data from public databases allowed determination this variant is unlikely to cause disease. Therefore, this variant is classified as likely benign.

Clinical Genetics DNA and cytogenetics Diagnostics Lab, Erasmus MC, Erasmus Medical Center
Classification: Likely benign. Review status: no assertion criteria provided. Collection method: clinical testing. Allele origin: germline. Affected: yes. Study: VKGL Data-share Consensus. Not counted in ClinVar's aggregate classification.

Clinical Genetics, Academic Medical Center
Classification: Likely benign. Review status: no assertion criteria provided. Collection method: clinical testing. Allele origin: germline. Affected: yes. Study: VKGL Data-share Consensus. Not counted in ClinVar's aggregate classification.

NM_002386.4(MC1R):c.948C>T (p.Ser316=)

Gene: MC1R (melanocortin 1 receptor; plus strand). Cytogenetic location: 16q24.3.
Variant type: single nucleotide variant.
Coding change: c.948C>T on transcript NM_002386.4 (MANE Select); coding-DNA position 948, C replaced by T.
Protein change: p.Ser316=; no amino-acid change (serine 316 retained).
Molecular consequence: synonymous variant.
Genome position (GRCh38, 1-based): chr16:89,920,206, C>T. VCF-style: chr16-89920206-C-T. GRCh37 (hg19) VCF-style: chr16-89986614-C-T.
Other names: p.Ser316=.
Identifiers: ClinVar variation 321442 (VCV000321442.57), dbSNP rs151318945, ClinGen allele CA8255823.